The following is an entry in ClinVar:

NM_002206.3(ITGA7):c.3041G>A (p.Arg1014Gln)

Gene: ITGA7 (integrin subunit alpha 7; minus strand). Cytogenetic location: 12q13.2.
Variant type: single nucleotide variant.
Coding change: c.3041G>A on transcript NM_002206.3 (MANE Select); coding-DNA position 3041, G replaced by A.
Protein change: p.Arg1014Gln; replaces arginine 1014 with glutamine.
Molecular consequence: missense variant.
Genome position (GRCh38, 1-based): chr12:55,688,218, C>T on the plus strand (G>A on the coding strand, the complement: ITGA7 is on the minus strand). VCF-style: chr12-55688218-C-T. GRCh37 (hg19) VCF-style: chr12-56082002-C-T.
Other names: c.2714G>A, p.Arg905Gln (NM_001367993.1); c.1697G>A, p.Arg566Gln (NM_001367994.1); c.3023G>A, p.Arg1008Gln (NM_001374465.1); c.3173G>A, p.Arg1058Gln (NM_001410977.1); c.3035G>A, p.Arg1012Gln (NM_001414029.1); c.2966G>A, p.Arg989Gln (NM_001414030.1); c.2954G>A, p.Arg985Gln (NM_001414031.1); c.2921G>A, p.Arg974Gln (NM_001414032.1); and 5 more; short protein forms R1014Q, R921Q, R1018Q, R566Q, R905Q, R1008Q, R1058Q, R901Q.
Identifiers: ClinVar variation 537996 (VCV000537996.11), dbSNP rs779843497, ClinGen allele CA6615368.
Genomic context (GRCh38, chr12:55,688,218, plus strand): 5'-AAGAAGAGAGTCCTCCCCACCTATCCCCCAACCCTGCAGCTCACCACTGTGGAGGCATCT[C>T]GGAGCATCAAGTTCTTTATGGAGGACTTCACTGTGATGTTGGCCCGGACAATCACTTCCA-3'
Protein context (NP_002197.2, residues 1004-1024): VKSSIKNLML[Arg1014Gln]DASTVIPVMV

ClinVar aggregate classification (germline): Uncertain significance. Review status: criteria provided, multiple submitters, no conflicts (2 of 4 stars). 2 submissions from 2 submitters: Uncertain significance (2). Last evaluated 2023-01-10.

Conditions:
Congenital muscular dystrophy due to integrin alpha-7 deficiency. Also called: MYOPATHY, CONGENITAL, DUE TO INTEGRIN ALPHA-7 DEFICIENCY; Congenital muscular dystrophy with integrin alpha-7 deficiency; Muscular dystrophy, congenital, due to ITGA7 deficiency. Identifiers: Orphanet 34520, MedGen C2750786, MONDO:0013177, OMIM 613204.

Allele frequency attached by ClinVar (database versions not stated): ExAC 0.00002; gnomAD 0.00002; gnomAD exomes 0.00002 and 0.00006; TOPMed 0.00005.
gnomAD v4.1: 100 of 1,614,040 alleles (0.0062%); highest among the groups gnomAD compares: East Asian, 0.033%; no homozygotes.

Submissions (2):

Ambry Genetics
Classification: Uncertain significance. Last evaluated: 2023-01-10. Review status: criteria provided, single submitter. Criteria: Ambry Variant Classification Scheme 2023. Collection method: clinical testing. Allele origin: germline.

Labcorp Genetics (formerly Invitae), Labcorp
Classification: Uncertain significance for Congenital muscular dystrophy due to integrin alpha-7 deficiency. Last evaluated: 2022-03-09. Review status: criteria provided, single submitter. Criteria: Invitae Variant Classification Sherloc (09022015). Collection method: clinical testing. Allele origin: germline.
Comment: ClinVar contains an entry for this variant (Variation ID: 537996). This sequence change replaces arginine, which is basic and polar, with glutamine, which is neutral and polar, at codon 1014 of the ITGA7 protein (p.Arg1014Gln). This variant is present in population databases (rs779843497, gnomAD 0.005%). This variant has not been reported in the literature in individuals affected with ITGA7-related conditions. Algorithms developed to predict the effect of missense changes on protein structure and function (SIFT, PolyPhen-2, Align-GVGD) all suggest that this variant is likely to be tolerated. In summary, the available evidence is currently insufficient to determine the role of this variant in disease. Therefore, it has been classified as a Variant of Uncertain Significance.